The following is an entry in ClinVar:

ClinVar aggregate classification (germline): Uncertain significance (1 of 4 stars; one submission).

Submission:

Ambry Genetics
Classification: Uncertain significance. Last evaluated: 2025-08-08. Review status: criteria provided, single submitter. Criteria: Ambry Variant Classification Scheme 2023. Collection method: clinical testing. Allele origin: germline.
Comment: The p.V520G variant (also known as c.1559T>G), located in coding exon 8 of the RNF43 gene, results from a T to G substitution at nucleotide position 1559. The valine at codon 520 is replaced by glycine, an amino acid with dissimilar properties. This amino acid position is conserved. In addition, this alteration is predicted to be tolerated by in silico analysis. Based on the available evidence, the clinical significance of this variant remains unclear.

NM_017763.6(RNF43):c.1559T>G (p.Val520Gly)

Gene: RNF43 (ring finger protein 43; minus strand). Cytogenetic location: 17q22.
Variant type: single nucleotide variant.
Coding change: c.1559T>G on transcript NM_017763.6 (MANE Select); coding-DNA position 1559, T replaced by G.
Protein change: p.Val520Gly; replaces valine 520 with glycine.
Molecular consequence: missense variant.
Genome position (GRCh38, 1-based): chr17:58,358,217, A>C on the plus strand (T>G on the coding strand, the complement: RNF43 is on the minus strand). VCF-style: chr17-58358217-A-C. GRCh37 (hg19) VCF-style: chr17-56435578-A-C.
Other names: c.1559T>G, p.Val520Gly (NM_001305544.3, NM_001438820.1, NM_001438821.1 and 1 more transcripts); c.1178T>G, p.Val393Gly (NM_001305545.2, NM_001437987.1); short protein forms V520G, V393G.
Identifiers: ClinVar variation 4155770 (VCV004155770.1).